The following is an entry in ClinVar:

NM_000466.3(PEX1):c.1277T>C (p.Met426Thr)

Gene: PEX1 (peroxisomal biogenesis factor 1; minus strand). Cytogenetic location: 7q21.2.
Variant type: single nucleotide variant.
Coding change: c.1277T>C on transcript NM_000466.3 (MANE Select); coding-DNA position 1277, T replaced by C.
Protein change: p.Met426Thr; replaces methionine 426 with threonine.
Molecular consequence: missense variant.
Genome position (GRCh38, 1-based): chr7:92,513,930, A>G on the plus strand (T>C on the coding strand, the complement: PEX1 is on the minus strand). VCF-style: chr7-92513930-A-G. GRCh37 (hg19) VCF-style: chr7-92143244-A-G.
Other names: c.1277T>C, p.Met426Thr (NM_001282677.2); c.653T>C, p.Met218Thr (NM_001282678.2); short protein forms M218T, M426T.
Identifiers: ClinVar variation 1058202 (VCV001058202.7), dbSNP rs780611674, ClinGen allele CA4341446.
Genomic context (GRCh38, chr7:92,513,930, plus strand): 5'-TTTAGAGATCTTGGAATTTTAGGGGTAACTTCCACTGGAGTTATCCTGACTACGGCATGC[A>G]TTTCTATATTTAGTCTCTTCCTCAGGTCATCTGGAATCTGAAATTTAAAAATAAACAAAA-3'
Protein context (NP_000457.1, residues 416-436): DDLRKRLNIE[Met426Thr]HAVVRITPVE

ClinVar aggregate classification (germline): Uncertain significance. Review status: criteria provided, single submitter (1 of 4 stars). 3 submissions from 3 submitters: Uncertain significance (1). 2 of the submissions do not count toward it. Last evaluated 2022-06-20.

Conditions:
Zellweger spectrum disorders (ZS). Also called: Zellweger Spectrum Disorder; Zellweger Spectrum; Zellweger Spectrum Disorder (ZSD); Zellweger syndrome. Identifiers: Orphanet 912, MedGen C0043459, MONDO:0019609.
Optic atrophy. Identifiers: MedGen C0029124, MONDO:0003608, HP:0000648.

Allele frequency attached by ClinVar (database versions not stated): TOPMed below 0.00001; ExAC 0.00001; gnomAD 0.00001; gnomAD exomes 0.00001 and 0.00002.
gnomAD v4.1: 25 of 1,589,244 alleles (0.0016%); highest among the groups gnomAD compares: Non-Finnish European, 0.0019%; no homozygotes.

Submissions (3):

Labcorp Genetics (formerly Invitae), Labcorp
Classification: Uncertain significance for Zellweger spectrum disorders. Last evaluated: 2022-06-20. Review status: criteria provided, single submitter. Criteria: Invitae Variant Classification Sherloc (09022015). Collection method: clinical testing. Allele origin: germline.
Comment: This sequence change replaces methionine, which is neutral and non-polar, with threonine, which is neutral and polar, at codon 426 of the PEX1 protein (p.Met426Thr). This variant is present in population databases (rs780611674, gnomAD 0.002%). This variant has not been reported in the literature in individuals affected with PEX1-related conditions. ClinVar contains an entry for this variant (Variation ID: 1058202). Algorithms developed to predict the effect of missense changes on protein structure and function (SIFT, PolyPhen-2, Align-GVGD) all suggest that this variant is likely to be tolerated. In summary, the available evidence is currently insufficient to determine the role of this variant in disease. Therefore, it has been classified as a Variant of Uncertain Significance.

Institute of Human Genetics, Univ. Regensburg, Univ. Regensburg
Classification: Uncertain significance for Optic atrophy. Last evaluated: 2022-01-01. Review status: no assertion criteria provided. Criteria: ACMG Guidelines, 2015. Collection method: clinical testing. Allele origin: germline. Affected: yes. Not counted in ClinVar's aggregate classification.

Natera, Inc.
Classification: Uncertain significance for Zellweger syndrome. Last evaluated: 2019-06-28. Review status: no assertion criteria provided. Collection method: clinical testing. Allele origin: germline. Not counted in ClinVar's aggregate classification.